The following is an entry in ClinVar:

NM_001061.7(TBXAS1):c.1365-10G>A

Gene: TBXAS1 (thromboxane A synthase 1; plus strand). Cytogenetic location: 7q34.
Variant type: single nucleotide variant.
Coding change: c.1365-10G>A on transcript NM_001061.7 (MANE Select); 10 bases into the intron before coding-DNA position 1365, G replaced by A.
Molecular consequence: intron variant.
Genome position (GRCh38, 1-based): chr7:140,017,661, G>A. VCF-style: chr7-140017661-G-A. GRCh37 (hg19) VCF-style: chr7-139717461-G-A.
Other names: c.1365-10G>A (NM_001130966.5); c.1164-10G>A (NM_001166254.4); c.1308-10G>A (NM_001314028.4); c.1503-10G>A (NM_001166253.4); c.1364+1801G>A (NM_030984.6); c.1182-10G>A (NM_001366537.3); c.1368-10G>A (NM_001061.4).
Identifiers: ClinVar variation 1610248 (VCV001610248.9), dbSNP rs765137338, ClinGen allele CA4512020.
Genomic context (GRCh38, chr7:140,017,661, plus strand): 5'-GCTGGAGCACAGGGCTGCAGAGGGGAGGGAGCGGGTGTTCTGGGCCAGCCCTGACCACAC[G>A]GACCTGCAGGTTCACGGCTGAGGCCCGGCAGCAGCACCGGCCCTTCACGTACCTGCCCTT-3'

ClinVar aggregate classification (germline): Conflicting classifications of pathogenicity. Review status: criteria provided, conflicting classifications (1 of 4 stars). 2 submissions from 2 submitters: Uncertain significance (1); Likely benign (1). Last evaluated 2025-09-24.

gnomAD v4.1: 105 of 1,612,314 alleles (0.0065%); highest among the groups gnomAD compares: Admixed American, 0.0067%; no homozygotes.

Submissions (2):

Labcorp Genetics (formerly Invitae), Labcorp
Classification: Likely benign. Last evaluated: 2025-09-24. Review status: criteria provided, single submitter. Criteria: Invitae Variant Classification Sherloc (09022015). Collection method: clinical testing. Allele origin: germline.

Women's Health and Genetics/Laboratory Corporation of America, LabCorp
Classification: Uncertain significance. Last evaluated: 2023-08-25. Review status: criteria provided, single submitter. Criteria: LabCorp Variant Classification Summary - May 2015. Collection method: clinical testing. Allele origin: germline.
Comment: Variant summary: TBXAS1 c.1368-10G>A alters a non-conserved nucleotide located at a position not widely known to affect splicing. Several computational tools predict a significant impact on normal splicing: Three predict the variant abolishes a canonical 3' splicing acceptor site. Two predict the variant creates a cryptic 3' acceptor site. However, these predictions have yet to be confirmed by functional studies. The variant allele was found at a frequency of 0.00012 in 246780 control chromosomes (gnomAD). To our knowledge, no occurrence of c.1368-10G>A in individuals affected with Ghosal Hematodiaphyseal Dysplasia and no experimental evidence demonstrating its impact on protein function have been reported. One submitter has cited a clinical-significance assessment for this variant to ClinVar after 2014 and has classified the variant as likely benign. Based on the evidence outlined above, the variant was classified as uncertain significance.